The following is an entry in ClinVar:

NM_001039141.3(TRIOBP):c.4548T>C (p.Pro1516=)

Gene: TRIOBP (TRIO and F-actin binding protein; plus strand). Cytogenetic location: 22q13.1.
Variant type: single nucleotide variant.
Coding change: c.4548T>C on transcript NM_001039141.3 (MANE Select); coding-DNA position 4548, T replaced by C.
Protein change: p.Pro1516=; no amino-acid change (proline 1516 retained).
Molecular consequence: synonymous variant.
Genome position (GRCh38, 1-based): chr22:37,734,884, T>C. VCF-style: chr22-37734884-T-C. GRCh37 (hg19) VCF-style: chr22-38130891-T-C.
Identifiers: ClinVar variation 228031 (VCV000228031.7), dbSNP rs770934306, ClinGen allele CA10224407.

ClinVar aggregate classification (germline): Likely benign. Review status: criteria provided, multiple submitters, no conflicts (2 of 4 stars). 2 submissions from 2 submitters: Likely benign (2). Last evaluated 2024-10-24.

Allele frequency attached by ClinVar (database versions not stated): gnomAD exomes below 0.00001 and 0.00001; TOPMed below 0.00001; gnomAD 0.00001; ExAC 0.00002.
gnomAD v4.1: 5 of 1,612,948 alleles (0.00031%); highest among the groups gnomAD compares: Non-Finnish European, 0.00042%; no homozygotes.

Submissions (2):

Labcorp Genetics (formerly Invitae), Labcorp
Classification: Likely benign. Last evaluated: 2024-10-24. Review status: criteria provided, single submitter. Criteria: Invitae Variant Classification Sherloc (09022015). Collection method: clinical testing. Allele origin: germline.

Laboratory for Molecular Medicine, Mass General Brigham Personalized Medicine
Classification: Likely benign. Last evaluated: 2015-08-18. Review status: criteria provided, single submitter. Criteria: LMM Criteria. Collection method: clinical testing. Allele origin: germline. Observed: 1 variant allele.
Comment: p.Pro1516Pro in exon 9 of TRIOBP: This variant is not expected to have clinical significance because it does not alter an amino acid residue and is not located within the splice consensus sequence. It has been identified in 2/63352 European chromosomes by the Exome Aggregation Consortium (ExAC).